The following is an entry in ClinVar:

NM_004004.6(GJB2):c.19_30del (p.Gln7_Leu10del)

Gene: GJB2 (gap junction protein beta 2; minus strand). Cytogenetic location: 13q12.11.
Variant type: Deletion.
Coding change: c.19_30del on transcript NM_004004.6 (MANE Select); coding-DNA positions 19 to 30, 12 bases deleted (CAGACGATCCTG).
Protein change: p.Gln7_Leu10del.
Molecular consequence: inframe deletion.
Genome position (GRCh38, 1-based): chr13:20,189,552-20,189,563, CAGGATCGTCTG deleted on the plus strand (CAGACGATCCTG on the coding strand, the reverse complement: GJB2 is on the minus strand); deleting any 12 consecutive bases within chr13:20,189,552-20,189,566 gives the same sequence; the c. name uses the placement nearest the transcript's 3' end. VCF-style (leftmost placement, unchanged base first): chr13-20189551-CCAGGATCGTCTG-C. GRCh37 (hg19) VCF-style: chr13-20763690-CCAGGATCGTCTG-C.
Identifiers: ClinVar variation 4074320 (VCV004074320.1).

ClinVar aggregate classification (germline): Uncertain significance (1 of 4 stars; one submission).

Submission:

GeneDx
Classification: Uncertain significance. Last evaluated: 2025-02-11. Review status: criteria provided, single submitter. Criteria: GeneDx Variant Classification Process June 2021. Collection method: clinical testing. Allele origin: germline. Affected: yes.
Comment: In-frame deletion of four amino acids in a non-repeat region; Not observed at significant frequency in large population cohorts (gnomAD); In silico analysis supports a deleterious effect on protein structure/function; Has not been previously published as pathogenic or benign to our knowledge